The following is an entry in ClinVar:

ClinVar aggregate classification (germline): Uncertain significance. Review status: criteria provided, multiple submitters, no conflicts (2 of 4 stars). 2 submissions from 2 submitters: Uncertain significance (2). Last evaluated 2024-12-23.

Conditions:
Inborn genetic diseases. Identifiers: MedGen C0950123, MeSH D030342.

Allele frequency attached by ClinVar (database versions not stated): TOPMed below 0.00001; ExAC 0.00001; gnomAD 0.00001; gnomAD exomes 0.00001; 1000 Genomes Project 30x 0.00016; 1000 Genomes Project 0.00020.

Submissions (2):

Ambry Genetics
Classification: Uncertain significance for Inborn genetic diseases. Last evaluated: 2024-12-23. Review status: criteria provided, single submitter. Criteria: Ambry Variant Classification Scheme 2023. Collection method: clinical testing. Allele origin: germline.

Labcorp Genetics (formerly Invitae), Labcorp
Classification: Uncertain significance. Last evaluated: 2024-08-12. Review status: criteria provided, single submitter. Criteria: Invitae Variant Classification Sherloc (09022015). Collection method: clinical testing. Allele origin: germline.
Comment: This sequence change replaces serine, which is neutral and polar, with asparagine, which is neutral and polar, at codon 381 of the VAC14 protein (p.Ser381Asn). This variant is present in population databases (rs576293806, gnomAD 0.006%). This variant has not been reported in the literature in individuals affected with VAC14-related conditions. ClinVar contains an entry for this variant (Variation ID: 1382111). Advanced modeling of protein sequence and biophysical properties (such as structural, functional, and spatial information, amino acid conservation, physicochemical variation, residue mobility, and thermodynamic stability) performed at Invitae indicates that this missense variant is not expected to disrupt VAC14 protein function with a negative predictive value of 80%. In summary, the available evidence is currently insufficient to determine the role of this variant in disease. Therefore, it has been classified as a Variant of Uncertain Significance.

NM_018052.5(VAC14):c.1142G>A (p.Ser381Asn)

Genes: VAC14 (VAC14 component of PIKFYVE complex; minus strand), VAC14-AS1 (VAC14 antisense RNA 1; plus strand). Cytogenetic location: 16q22.1.
Variant type: single nucleotide variant.
Coding change: c.1142G>A on transcript NM_018052.5 (MANE Select); coding-DNA position 1142, G replaced by A.
Protein change: p.Ser381Asn; replaces serine 381 with asparagine.
Molecular consequence: missense variant. On other transcripts: non-coding transcript variant (1).
Genome position (GRCh38, 1-based): chr16:70,772,127, C>T on the plus strand (G>A on the coding strand, the complement: VAC14 is on the minus strand). VCF-style: chr16-70772127-C-T. GRCh37 (hg19) VCF-style: chr16-70806030-C-T.
Other names: c.440G>A, p.Ser147Asn (NM_001351157.2); c.1142G>A (NM_018052.3); short protein forms S147N, S381N.
Identifiers: ClinVar variation 1382111 (VCV001382111.6), dbSNP rs576293806, ClinGen allele CA8147818.